The following is an entry in ClinVar:

NM_001256545.2(MEGF10):c.1187G>A (p.Cys396Tyr)

Gene: MEGF10 (multiple EGF like domains 10; plus strand). Cytogenetic location: 5q23.2.
Variant type: single nucleotide variant.
Coding change: c.1187G>A on transcript NM_001256545.2 (MANE Select); coding-DNA position 1187, G replaced by A.
Protein change: p.Cys396Tyr; replaces cysteine 396 with tyrosine.
Molecular consequence: missense variant.
Genome position (GRCh38, 1-based): chr5:127,417,694, G>A. VCF-style: chr5-127417694-G-A. GRCh37 (hg19) VCF-style: chr5-126753386-G-A.
Other names: c.1187G>A, p.Cys396Tyr (NM_001308119.2, NM_001308121.2, NM_032446.3); short protein forms C396Y.
Identifiers: ClinVar variation 2842972 (VCV002842972.3), dbSNP rs1257623403, ClinGen allele CA360727954.

ClinVar aggregate classification (germline): Uncertain significance (1 of 4 stars; one submission).

Conditions:
MEGF10-related myopathy (CMYO10A). Also called: Congenital myopathy 10A, severe variant. Identifiers: Orphanet 439212, MedGen C3280679, MONDO:0013731, OMIM 614399.

Allele frequency attached by ClinVar (database versions not stated): TOPMed 0.00001.

Submission:

Labcorp Genetics (formerly Invitae), Labcorp
Classification: Uncertain significance for MEGF10-related myopathy. Last evaluated: 2024-04-06. Review status: criteria provided, single submitter. Criteria: Invitae Variant Classification Sherloc (09022015). Collection method: clinical testing. Allele origin: germline.
Comment: This sequence change replaces cysteine, which is neutral and slightly polar, with tyrosine, which is neutral and polar, at codon 396 of the MEGF10 protein (p.Cys396Tyr). This variant is not present in population databases (gnomAD no frequency). This variant has not been reported in the literature in individuals affected with MEGF10-related conditions. Advanced modeling of protein sequence and biophysical properties (such as structural, functional, and spatial information, amino acid conservation, physicochemical variation, residue mobility, and thermodynamic stability) performed at Invitae indicates that this missense variant is expected to disrupt MEGF10 protein function with a positive predictive value of 80%. In summary, the available evidence is currently insufficient to determine the role of this variant in disease. Therefore, it has been classified as a Variant of Uncertain Significance.